The following is an entry in ClinVar:

NM_004813.4(PEX16):c.526C>T (p.Arg176Ter)

Gene: PEX16 (peroxisomal biogenesis factor 16; minus strand). Cytogenetic location: 11p11.2.
Variant type: single nucleotide variant.
Coding change: c.526C>T on transcript NM_004813.4 (MANE Select); coding-DNA position 526, C replaced by T.
Protein change: p.Arg176Ter; replaces arginine 176 with a stop codon.
Molecular consequence: nonsense.
Genome position (GRCh38, 1-based): chr11:45,914,619, G>A on the plus strand (C>T on the coding strand, the complement: PEX16 is on the minus strand). VCF-style: chr11-45914619-G-A. GRCh37 (hg19) VCF-style: chr11-45936170-G-A.
Other names: c.526C>T, p.Arg176Ter (NM_057174.3); short protein forms R176*.
Identifiers: ClinVar variation 6466 (VCV000006466.10), dbSNP rs61752117, ClinGen allele CA118288.
Genomic context (GRCh38, chr11:45,914,619, plus strand): 5'-GCAGACAGCACCTAGGTGCCCAGGCCAGCCACATCCTCCACTTACTGTTCTGGAGGGTTC[G>A]CACCACCCGGTTTGACCGCTTCCCCACGTAGGACTGCTCATGGTTGCCAGGGCTGTGGTC-3'

ClinVar aggregate classification (germline): Pathogenic. Review status: criteria provided, multiple submitters, no conflicts (2 of 4 stars). 3 submissions from 3 submitters: Pathogenic (2). 1 of the submissions does not count toward it. Last evaluated 2024-05-15.

Conditions:
Peroxisome biogenesis disorder 8A (Zellweger). Also called: Peroxisome biogenesis disorder 8A. Identifiers: Orphanet 912, MedGen C3553959, MONDO:0013942, OMIM 614876.
Peroxisome biogenesis disorder. Identifiers: Orphanet 79189, MedGen C1832200, MONDO:0019234. Disease mechanism: loss of function.

Allele frequency attached by ClinVar (database versions not stated): gnomAD exomes below 0.00001; TOPMed below 0.00001; gnomAD 0.00001.
gnomAD v4.1: 10 of 1,614,024 alleles (0.00062%); highest among the groups gnomAD compares: Middle Eastern, 0.016%; no homozygotes.

Submissions (3):

Labcorp Genetics (formerly Invitae), Labcorp
Classification: Pathogenic for Peroxisome biogenesis disorder. Last evaluated: 2024-05-15. Review status: criteria provided, single submitter. Criteria: Invitae Variant Classification Sherloc (09022015). Collection method: clinical testing. Allele origin: germline.
Comment: This sequence change creates a premature translational stop signal (p.Arg176*) in the PEX16 gene. It is expected to result in an absent or disrupted protein product. Loss-of-function variants in PEX16 are known to be pathogenic (PMID: 9837814, 11890679, 20647552, 20681997). This variant is present in population databases (rs61752117, gnomAD no frequency). This premature translational stop signal has been observed in individual(s) with clinical features of Zellweger spectrum disorder (PMID: 9837814, 24091540). ClinVar contains an entry for this variant (Variation ID: 6466). For these reasons, this variant has been classified as Pathogenic.

GeneDx
Classification: Pathogenic. Last evaluated: 2018-01-02. Review status: criteria provided, single submitter. Criteria: GeneDx Variant Classification (06012015). Collection method: clinical testing. Allele origin: germline. Affected: yes.
Comment: The R176X variant in the PEX16 gene has been reported previously in association with autosomalrecessive Zellweger syndrome when present in the homozygous state or when in trans with anotherpathogenic variant (Honsho et al., 1998; Ohba et al., 2013). One study has shown that the R176Xvariant inactivated PEX16, which impaired peroxisome and peroxisomal membrane vesicle formation(Honsho et al., 1998). This variant is predicted to cause loss of normal protein function either throughprotein truncation or nonsense-mediated mRNA decay. The R176X variant was not observed inapproximately 6500 individuals of European and African American ancestry in the NHLBI ExomeSequencing Project, indicating it is not a common variant in these populations. We interpret R176X as a pathogenic variant.

OMIM
Classification: Pathogenic for PEROXISOME BIOGENESIS DISORDER 8A (ZELLWEGER). Last evaluated: 1998-12-01. Review status: no assertion criteria provided. Collection method: literature only. Allele origin: germline. Not counted in ClinVar's aggregate classification.

Literature cited by the submitters: PubMed 9837814 (cited by Labcorp Genetics (formerly Invitae), Labcorp and OMIM); PubMed 11890679 (cited by Labcorp Genetics (formerly Invitae), Labcorp); PubMed 20647552 (cited by Labcorp Genetics (formerly Invitae), Labcorp); PubMed 20681997 (cited by Labcorp Genetics (formerly Invitae), Labcorp); PubMed 24091540 (cited by Labcorp Genetics (formerly Invitae), Labcorp).